The following is an entry in ClinVar:

ClinVar aggregate classification (germline): Uncertain significance. Review status: criteria provided, single submitter (1 of 4 stars). 2 submissions from 2 submitters: Uncertain significance (1). 1 of the submissions does not count toward it. Last evaluated 2024-06-17.

Conditions:
Neuronal ceroid lipofuscinosis. Also called: Neuronal Ceroid Lipofuscinoses. Identifiers: Orphanet 216, Orphanet 79263, MedGen C0027877, MONDO:0016295. Disease mechanism: loss of function.

Allele frequency attached by ClinVar (database versions not stated): gnomAD exomes below 0.00001; ExAC 0.00001.

Submissions (2):

Labcorp Genetics (formerly Invitae), Labcorp
Classification: Uncertain significance for Neuronal ceroid lipofuscinosis. Last evaluated: 2024-06-17. Review status: criteria provided, single submitter. Criteria: Invitae Variant Classification Sherloc (09022015). Collection method: clinical testing. Allele origin: germline.
Comment: This sequence change replaces methionine, which is neutral and non-polar, with valine, which is neutral and non-polar, at codon 383 of the CLN5 protein (p.Met383Val). This variant is present in population databases (rs747998609, gnomAD 0.003%). This variant has not been reported in the literature in individuals affected with CLN5-related conditions. ClinVar contains an entry for this variant (Variation ID: 1058744). Advanced modeling of protein sequence and biophysical properties (such as structural, functional, and spatial information, amino acid conservation, physicochemical variation, residue mobility, and thermodynamic stability) performed at Invitae indicates that this missense variant is expected to disrupt CLN5 protein function with a positive predictive value of 80%. In summary, the available evidence is currently insufficient to determine the role of this variant in disease. Therefore, it has been classified as a Variant of Uncertain Significance.

Natera, Inc.
Classification: Uncertain significance for Neuronal ceroid lipofuscinosis. Last evaluated: 2020-10-16. Review status: no assertion criteria provided. Collection method: clinical testing. Allele origin: germline. Not counted in ClinVar's aggregate classification.

NM_006493.4(CLN5):c.1000A>G (p.Met334Val)

Gene: CLN5 (CLN5 lysosomal BMP synthase; plus strand). Cytogenetic location: 13q22.3.
Variant type: single nucleotide variant.
Coding change: c.1000A>G on transcript NM_006493.4 (MANE Select); coding-DNA position 1000, A replaced by G.
Protein change: p.Met334Val; replaces methionine 334 with valine.
Molecular consequence: missense variant. On other transcripts: 3 prime UTR variant (1).
Genome position (GRCh38, 1-based): chr13:77,000,892, A>G. VCF-style: chr13-77000892-A-G. GRCh37 (hg19) VCF-style: chr13-77575027-A-G.
Other names: c.*449A>G (NM_001366624.2); short protein forms M334V.
Identifiers: ClinVar variation 1058744 (VCV001058744.7), dbSNP rs747998609, ClinGen allele CA7007283.